The following is an entry in ClinVar:

ClinVar aggregate classification (germline): Uncertain significance. Review status: criteria provided, multiple submitters, no conflicts (2 of 4 stars). 2 submissions from 2 submitters: Uncertain significance (2). Last evaluated 2024-03-04.

Conditions:
Inborn genetic diseases. Identifiers: MedGen C0950123, MeSH D030342.

gnomAD v4.1: 7 of 1,602,060 alleles (0.00044%); highest among the groups gnomAD compares: South Asian, 0.0022%; no homozygotes.

Submissions (2):

Blueprint Genetics
Classification: Uncertain significance. Last evaluated: 2024-03-04. Review status: criteria provided, single submitter. Criteria: ACMG Guidelines, 2015. Collection method: clinical testing. Allele origin: germline.

Ambry Genetics
Classification: Uncertain significance for Inborn genetic diseases. Last evaluated: 2019-12-12. Review status: criteria provided, single submitter. Criteria: Ambry Variant Classification Scheme 2023. Collection method: clinical testing. Allele origin: germline.
Comment: The p.E3Q variant (also known as c.7G>C), located in coding exon 1 of the HSPB1 gene, results from a G to C substitution at nucleotide position 7. The glutamic acid at codon 3 is replaced by glutamine, an amino acid with highly similar properties. This amino acid position is highly conserved in available vertebrate species. In addition, the in silico prediction for this alteration is inconclusive. Since supporting evidence is limited at this time, the clinical significance of this alteration remains unclear.

NM_001540.5(HSPB1):c.7G>C (p.Glu3Gln)

Gene: HSPB1 (heat shock protein family B (small) member 1; plus strand). Cytogenetic location: 7q11.23.
Variant type: single nucleotide variant.
Coding change: c.7G>C on transcript NM_001540.5 (MANE Select); coding-DNA position 7, G replaced by C.
Protein change: p.Glu3Gln; replaces glutamic acid 3 with glutamine.
Molecular consequence: missense variant.
Genome position (GRCh38, 1-based): chr7:76,302,719, G>C. VCF-style: chr7-76302719-G-C. GRCh37 (hg19) VCF-style: chr7-75932036-G-C.
Other names: short protein forms E3Q.
Identifiers: ClinVar variation 1761601 (VCV001761601.3), dbSNP rs748003351, ClinGen allele CA367762625.